The following is an entry in ClinVar:

ClinVar aggregate classification (germline): Uncertain significance (1 of 4 stars; one submission).

Conditions:
Developmental and epileptic encephalopathy, 30 (DEE30). Also called: Epileptic encephalopathy, early infantile, 30. Identifiers: MedGen C4225360, MONDO:0014595, OMIM 616341.

Submission:

Labcorp Genetics (formerly Invitae), Labcorp
Classification: Uncertain significance for Developmental and epileptic encephalopathy, 30. Last evaluated: 2022-09-19. Review status: criteria provided, single submitter. Criteria: Invitae Variant Classification Sherloc (09022015). Collection method: clinical testing. Allele origin: germline.
Comment: In summary, the available evidence is currently insufficient to determine the role of this variant in disease. Therefore, it has been classified as a Variant of Uncertain Significance. Algorithms developed to predict the effect of missense changes on protein structure and function are either unavailable or do not agree on the potential impact of this missense change (SIFT: "Tolerated"; PolyPhen-2: "Probably Damaging"; Align-GVGD: "Class C0"). ClinVar contains an entry for this variant (Variation ID: 1461507). This variant has not been reported in the literature in individuals affected with SIK1-related conditions. This variant is not present in population databases (gnomAD no frequency). This sequence change replaces glutamic acid, which is acidic and polar, with aspartic acid, which is acidic and polar, at codon 123 of the SIK1 protein (p.Glu123Asp).

NM_173354.5(SIK1):c.369G>C (p.Glu123Asp)

Gene: SIK1 (salt inducible kinase 1; minus strand). Cytogenetic location: 21q22.3.
Variant type: single nucleotide variant.
Coding change: c.369G>C on transcript NM_173354.5 (MANE Select); coding-DNA position 369, G replaced by C.
Protein change: p.Glu123Asp; replaces glutamic acid 123 with aspartic acid.
Molecular consequence: missense variant.
Genome position (GRCh38, 1-based): chr21:43,421,768, C>G on the plus strand (G>C on the coding strand, the complement: SIK1 is on the minus strand). VCF-style: chr21-43421768-C-G. GRCh37 (hg19) VCF-style: chr21-44841648-C-G.
Other names: short protein forms E123D.
Identifiers: ClinVar variation 1461507 (VCV001461507.8), dbSNP rs2146474202, ClinGen allele CA410610363.